The following is an entry in ClinVar:

ClinVar aggregate classification (germline): Conflicting classifications of pathogenicity. Review status: criteria provided, conflicting classifications (1 of 4 stars). 4 submissions from 4 submitters: Uncertain significance (3); Likely benign (1). Last evaluated 2025-03-25.

Conditions:
Cardiovascular phenotype. Identifiers: MedGen CN230736.
Familial hypobetalipoproteinemia 1. Also called: Hypobetalipoproteinemia, normotriglyceridemic; Acanthocytosis with hypobetalipoproteinemia; APOB-Related Familial Hypobetalipoproteinemia. Identifiers: MedGen C4551990, MONDO:0014252, OMIM 615558.
Hypercholesterolemia, autosomal dominant, type B (FHCL2). Also called: Familial Hypercholesterolemia Type B; HYPERCHOLESTEROLEMIA, FAMILIAL, DUE TO LIGAND-DEFECTIVE APOLIPOPROTEIN B; Familial hypercholesterolemia 2; APOB-Related Familial Hypercholesterolemia, Autosomal Dominant; APOLIPOPROTEIN B-100, FAMILIAL DEFECTIVE; APOLIPOPROTEIN B-100, FAMILIAL LIGAND-DEFECTIVE. Identifiers: MedGen C1704417, MONDO:0007751, OMIM 144010.

Allele frequency attached by ClinVar (database versions not stated): gnomAD 0.00001; TOPMed 0.00002; gnomAD exomes 0.00004.
gnomAD v4.1: 55 of 1,612,768 alleles (0.0034%); highest among the groups gnomAD compares: Non-Finnish European, 0.0046%; no homozygotes.

Submissions (4):

GeneDx
Classification: Uncertain significance. Last evaluated: 2025-03-25. Review status: criteria provided, single submitter. Criteria: GeneDx Variant Classification Process June 2021. Collection method: clinical testing. Allele origin: germline. Affected: yes.
Comment: Not observed at significant frequency in large population cohorts (gnomAD); In silico analysis supports that this missense variant has a deleterious effect on protein structure/function; Has not been previously published as pathogenic or benign to our knowledge

Ambry Genetics
Classification: Uncertain significance for Cardiovascular phenotype. Last evaluated: 2024-06-10. Review status: criteria provided, single submitter. Criteria: Ambry Variant Classification Scheme 2023. Collection method: clinical testing. Allele origin: germline.

Labcorp Genetics (formerly Invitae), Labcorp
Classification: Likely benign for Familial hypobetalipoproteinemia 1; Hypercholesterolemia, autosomal dominant, type B. Last evaluated: 2024-03-07. Review status: criteria provided, single submitter. Criteria: Invitae Variant Classification Sherloc (09022015). Collection method: clinical testing. Allele origin: germline.

Fulgent Genetics
Classification: Uncertain significance for Hypercholesterolemia, autosomal dominant, type B; Familial hypobetalipoproteinemia 1. Last evaluated: 2021-08-23. Review status: criteria provided, single submitter. Criteria: ACMG Guidelines, 2015. Collection method: clinical testing. Allele origin: unknown.

NM_000384.3(APOB):c.6764A>C (p.Lys2255Thr)

Gene: APOB (apolipoprotein B; minus strand). Cytogenetic location: 2p24.1.
Variant type: single nucleotide variant.
Coding change: c.6764A>C on transcript NM_000384.3 (MANE Select); coding-DNA position 6764, A replaced by C.
Protein change: p.Lys2255Thr; replaces lysine 2255 with threonine.
Molecular consequence: missense variant.
Genome position (GRCh38, 1-based): chr2:21,010,104, T>G on the plus strand (A>C on the coding strand, the complement: APOB is on the minus strand). VCF-style: chr2-21010104-T-G. GRCh37 (hg19) VCF-style: chr2-21232976-T-G.
Other names: short protein forms K2255T.
Identifiers: ClinVar variation 926818 (VCV000926818.10), dbSNP rs1249838546, ClinGen allele CA346000781.